The following is an entry in ClinVar:

NM_018089.3(ANKZF1):c.1051G>A (p.Glu351Lys)

Gene: ANKZF1 (ankyrin repeat and zinc finger peptidyl tRNA hydrolase 1; plus strand). Cytogenetic location: 2q35.
Variant type: single nucleotide variant.
Coding change: c.1051G>A on transcript NM_018089.3 (MANE Select); coding-DNA position 1051, G replaced by A.
Protein change: p.Glu351Lys; replaces glutamic acid 351 with lysine.
Molecular consequence: missense variant.
Genome position (GRCh38, 1-based): chr2:219,234,135, G>A. VCF-style: chr2-219234135-G-A. GRCh37 (hg19) VCF-style: chr2-220098857-G-A.
Other names: c.1051G>A, p.Glu351Lys (NM_001042410.2); c.421G>A, p.Glu141Lys (NM_001282792.2); short protein forms E351K, E141K.
Identifiers: ClinVar variation 1466601 (VCV001466601.8), dbSNP rs375422658, ClinGen allele CA2120952.

ClinVar aggregate classification (germline): Uncertain significance (1 of 4 stars; one submission).

Allele frequency attached by ClinVar (database versions not stated): gnomAD exomes 0.00001 and 0.00002; ExAC 0.00003; ESP Exome Variant Server 0.00008; TOPMed 0.00009; gnomAD 0.00011.
gnomAD v4.1: 26 of 1,608,204 alleles (0.0016%); highest among the groups gnomAD compares: African/African-American, 0.031%; no homozygotes.

Submission:

Labcorp Genetics (formerly Invitae), Labcorp
Classification: Uncertain significance. Last evaluated: 2025-09-03. Review status: criteria provided, single submitter. Criteria: Invitae Variant Classification Sherloc (09022015). Collection method: clinical testing. Allele origin: germline.
Comment: This sequence change replaces glutamic acid, which is acidic and polar, with lysine, which is basic and polar, at codon 351 of the ANKZF1 protein (p.Glu351Lys). This variant is present in population databases (rs375422658, gnomAD 0.04%). This variant has not been reported in the literature in individuals affected with ANKZF1-related conditions. ClinVar contains an entry for this variant (Variation ID: 1466601). An algorithm developed to predict the effect of missense changes on protein structure and function (PolyPhen-2) suggests that this variant is likely to be tolerated. In summary, the available evidence is currently insufficient to determine the role of this variant in disease. Therefore, it has been classified as a Variant of Uncertain Significance.